The following is an entry in ClinVar:

ClinVar aggregate classification (germline): Uncertain significance (1 of 4 stars; one submission).

Allele frequency attached by ClinVar (database versions not stated): gnomAD exomes below 0.00001.
gnomAD v4.1: 6 of 1,614,158 alleles (0.00037%); highest among the groups gnomAD compares: South Asian, 0.0066%; no homozygotes.

Submission:

Labcorp Genetics (formerly Invitae), Labcorp
Classification: Uncertain significance. Last evaluated: 2023-08-29. Review status: criteria provided, single submitter. Criteria: Invitae Variant Classification Sherloc (09022015). Collection method: clinical testing. Allele origin: germline.
Comment: This variant has not been reported in the literature in individuals affected with HYOU1-related conditions. In summary, the available evidence is currently insufficient to determine the role of this variant in disease. Therefore, it has been classified as a Variant of Uncertain Significance. This sequence change affects codon 692 of the HYOU1 mRNA. It is a 'silent' change, meaning that it does not change the encoded amino acid sequence of the HYOU1 protein. This variant is not present in population databases (gnomAD no frequency).

NM_006389.5(HYOU1):c.2076G>A (p.Lys692=)

Gene: HYOU1 (hypoxia up-regulated 1; minus strand). Cytogenetic location: 11q23.3.
Variant type: single nucleotide variant.
Coding change: c.2076G>A on transcript NM_006389.5 (MANE Select); coding-DNA position 2076, G replaced by A.
Protein change: p.Lys692=; no amino-acid change (lysine 692 retained).
Molecular consequence: synonymous variant.
Genome position (GRCh38, 1-based): chr11:119,048,803, C>T on the plus strand (G>A on the coding strand, the complement: HYOU1 is on the minus strand). VCF-style: chr11-119048803-C-T. GRCh37 (hg19) VCF-style: chr11-118919515-C-T.
Other names: c.2076G>A, p.Lys692= (NM_001130991.3, NM_001411041.1).
Identifiers: ClinVar variation 2908100 (VCV002908100.3), dbSNP rs2497124087, ClinGen allele CA645598636.